The following is an entry in ClinVar:

ClinVar aggregate classification (germline): Uncertain significance (1 of 4 stars; one submission).

Allele frequency attached by ClinVar (database versions not stated): gnomAD exomes 0.00001.
gnomAD v4.1: 21 of 1,614,042 alleles (0.0013%); highest among the groups gnomAD compares: Non-Finnish European, 0.0018%; no homozygotes.

Submission:

Labcorp Genetics (formerly Invitae), Labcorp
Classification: Uncertain significance. Last evaluated: 2022-06-03. Review status: criteria provided, single submitter. Criteria: Invitae Variant Classification Sherloc (09022015). Collection method: clinical testing. Allele origin: germline.
Comment: This variant is present in population databases (rs757802799, gnomAD 0.0009%). In summary, the available evidence is currently insufficient to determine the role of this variant in disease. Therefore, it has been classified as a Variant of Uncertain Significance. Algorithms developed to predict the effect of missense changes on protein structure and function (SIFT, PolyPhen-2, Align-GVGD) all suggest that this variant is likely to be tolerated. This variant has not been reported in the literature in individuals affected with CTDP1-related conditions. This sequence change replaces glutamine, which is neutral and polar, with glutamic acid, which is acidic and polar, at codon 736 of the CTDP1 protein (p.Gln736Glu).

NM_004715.5(CTDP1):c.2206C>G (p.Gln736Glu)

Gene: CTDP1 (CTD phosphatase subunit 1; plus strand). Cytogenetic location: 18q23.
Variant type: single nucleotide variant.
Coding change: c.2206C>G on transcript NM_004715.5 (MANE Select); coding-DNA position 2206, C replaced by G.
Protein change: p.Gln736Glu; replaces glutamine 736 with glutamic acid.
Molecular consequence: missense variant.
Genome position (GRCh38, 1-based): chr18:79,717,672, C>G. VCF-style: chr18-79717672-C-G. GRCh37 (hg19) VCF-style: chr18-77477672-C-G.
Other names: c.1849C>G, p.Gln617Glu (NM_001202504.1); c.2206C>G, p.Gln736Glu (NM_001318511.2, NM_048368.4); short protein forms Q617E, Q736E.
Identifiers: ClinVar variation 1999394 (VCV001999394.4), dbSNP rs757802799, ClinGen allele CA303774573.
Genomic context (GRCh38, chr18:79,717,672, plus strand): 5'-GAGCGCTGGGACAAGGTGGAGGAGCAGCTCTTCCCGCTCAGGGACGATCACACCAAGGCA[C>G]AGAGGTGGGTCCTCGCTGCACCCAGCAGGTCCGTGCCAGGCGTTCCCTTGCTGGACAGCT-3'
Protein context (NP_004706.3, residues 726-746): FPLRDDHTKA[Gln736Glu]RENSPAAFPD